The following is an entry in ClinVar:

NM_000254.3(MTR):c.12_13del (p.Leu5fs)

Genes: MTR (5-methyltetrahydrofolate-homocysteine methyltransferase; plus strand), LOC129932886 (ATAC-STARR-seq lymphoblastoid active region 2827; plus strand). Cytogenetic location: 1q43.
Variant type: Microsatellite.
Coding change: c.12_13del on transcript NM_000254.3 (MANE Select); coding-DNA positions 12 to 13, 2 bases deleted (GC; older notation c.12_13delGC).
Protein change: p.Leu5fs; shifts the reading frame from leucine 5.
Molecular consequence: frameshift variant. On other transcripts: 5 prime UTR variant (1).
Genome position (GRCh38, 1-based): chr1:236,795,715-236,795,716, GC deleted; deleting any 2 consecutive bases within chr1:236,795,712-236,795,716 gives the same sequence; the c. name uses the placement nearest the transcript's 3' end. VCF-style (leftmost placement, unchanged base first): chr1-236795711-CCG-C. GRCh37 (hg19) VCF-style: chr1-236959011-CCG-C.
Other names: c.12_13del, p.Leu5fs (NM_001291939.1, NM_001410942.1); c.-1099GC[1] (NM_001291940.2); short protein forms L5fs.
Identifiers: ClinVar variation 2769519 (VCV002769519.3), dbSNP rs752220849, ClinGen allele CA1473591.

ClinVar aggregate classification (germline): Pathogenic (1 of 4 stars; one submission).

Conditions:
Methylcobalamin deficiency type cblG (HMAG). Also called: Functional methionine synthase deficiency type cblG; HOMOCYSTINURIA-MEGALOBLASTIC ANEMIA DUE TO DEFECT IN COBALAMIN METABOLISM, cblG COMPLEMENTATION TYPE; HOMOCYSTINURIA-MEGALOBLASTIC ANEMIA, cblG TYPE; HOMOCYSTINURIA-MEGALOBLASTIC ANEMIA, cblG COMPLEMENTATION TYPE. Identifiers: Orphanet 2170, Orphanet 622, MedGen C1855128, MONDO:0009609, OMIM 250940.

Submission:

Labcorp Genetics (formerly Invitae), Labcorp
Classification: Pathogenic for Methylcobalamin deficiency type cblG. Last evaluated: 2023-12-04. Review status: criteria provided, single submitter. Criteria: Invitae Variant Classification Sherloc (09022015). Collection method: clinical testing. Allele origin: germline.
Comment: This sequence change creates a premature translational stop signal (p.Leu5Profs*16) in the MTR gene. It is expected to result in an absent or disrupted protein product. Loss-of-function variants in MTR are known to be pathogenic (PMID: 9683607, 12068375). This variant is present in population databases (rs752220849, gnomAD 0.0009%). This premature translational stop signal has been observed in individual(s) with methylcobalamin deficiency (PMID: 12068375). For these reasons, this variant has been classified as Pathogenic.

Literature cited by the submitters: PubMed 9683607; PubMed 12068375.